The following is an entry in ClinVar:

NM_024312.5(GNPTAB):c.336del (p.Asn114fs)

Gene: GNPTAB (N-acetylglucosamine-1-phosphate transferase subunits alpha and beta; minus strand). Cytogenetic location: 12q23.2.
Variant type: Deletion.
Coding change: c.336del on transcript NM_024312.5 (MANE Select); coding-DNA position 336, one base deleted (G; older notation c.336delG).
Protein change: p.Asn114fs; shifts the reading frame from asparagine 114.
Molecular consequence: frameshift variant.
Genome position (GRCh38, 1-based): chr12:101,788,577, C deleted on the plus strand (G on the coding strand, the reverse complement: GNPTAB is on the minus strand); the first of 3 consecutive C bases (chr12:101,788,577-101,788,579); deleting any one gives the same sequence. VCF-style (leftmost placement, unchanged base first): chr12-101788576-TC-T. GRCh37 (hg19) VCF-style: chr12-102182354-TC-T.
Other names: c.336delG (NM_024312.5); short protein forms N114fs.
Identifiers: ClinVar variation 3895878 (VCV003895878.1).

ClinVar aggregate classification (germline): Pathogenic (1 of 4 stars; one submission).

Conditions:
Mucolipidosis. Also called: Mucolipidoses. Identifiers: Orphanet 79212, MedGen C0026697, MONDO:0019248.

Submission:

Women's Health and Genetics/Laboratory Corporation of America, LabCorp
Classification: Pathogenic for Mucolipidosis. Last evaluated: 2025-03-03. Review status: criteria provided, single submitter. Criteria: LabCorp Variant Classification Summary - May 2015. Collection method: clinical testing. Allele origin: germline.
Comment: Variant summary: GNPTAB c.336delG (p.Asn114ThrfsX13) results in a premature termination codon, predicted to cause a truncation of the encoded protein or absence of the protein due to nonsense mediated decay, which are commonly known mechanisms for disease. The variant was absent in 251004 control chromosomes (gnomAD). To our knowledge, no occurrence of c.336delG in individuals affected with Mucolipidosis and no experimental evidence demonstrating its impact on protein function have been reported. No submitters have cited clinical-significance assessments for this variant to ClinVar. Based on the evidence outlined above, the variant was classified as pathogenic.